The following is an entry in ClinVar:

NM_002226.5(JAG2):c.1836C>T (p.Cys612=)

Gene: JAG2 (jagged canonical Notch ligand 2; minus strand). Cytogenetic location: 14q32.33.
Variant type: single nucleotide variant.
Coding change: c.1836C>T on transcript NM_002226.5 (MANE Select); coding-DNA position 1836, C replaced by T.
Protein change: p.Cys612=; no amino-acid change (cysteine 612 retained).
Molecular consequence: synonymous variant.
Genome position (GRCh38, 1-based): chr14:105,149,007, G>A on the plus strand (C>T on the coding strand, the complement: JAG2 is on the minus strand). VCF-style: chr14-105149007-G-A. GRCh37 (hg19) VCF-style: chr14-105615344-G-A.
Other names: c.1722C>T, p.Cys574= (NM_145159.3).
Identifiers: ClinVar variation 2644903 (VCV002644903.25), dbSNP rs376127608, ClinGen allele CA7385834.

ClinVar aggregate classification (germline): Likely benign. Review status: criteria provided, multiple submitters, no conflicts (2 of 4 stars). 2 submissions from 2 submitters: Likely benign (2). Last evaluated 2024-10-11.

Allele frequency attached by ClinVar (database versions not stated): TOPMed 0.00015; gnomAD exomes 0.00016; ExAC 0.00017; gnomAD 0.00010; ESP Exome Variant Server 0.00031.
gnomAD v4.1: 245 of 1,606,452 alleles (0.015%); highest among the groups gnomAD compares: Non-Finnish European, 0.02%; no homozygotes.

Submissions (2):

Blueprint Genetics
Classification: Likely benign. Last evaluated: 2024-10-11. Review status: criteria provided, single submitter. Criteria: ACMG Guidelines, 2015. Collection method: clinical testing. Allele origin: germline.

CeGaT Center for Human Genetics Tuebingen
Classification: Likely benign. Last evaluated: 2024-09-01. Review status: criteria provided, single submitter. Criteria: CeGaT Center For Human Genetics Tuebingen Variant Classification Criteria Version 2. Collection method: clinical testing. Allele origin: germline. Affected: yes. Observed: 2 variant alleles.
Comment: JAG2: BP4, BP7